The following is an entry in ClinVar:

ClinVar aggregate classification (germline): Pathogenic (1 of 4 stars; one submission).

Submission:

Mayo Clinic Laboratories, Mayo Clinic
Classification: Pathogenic. Last evaluated: 2025-10-29. Review status: criteria provided, single submitter. Criteria: ACMG Guidelines, 2015. Collection method: clinical testing. Allele origin: germline. Observed: 1 variant allele.
Comment: PP1_moderate, PP4, PM2_supporting, PM3, PVS1_strong

Literature cited by the submitters: PubMed 26883462; PubMed 32296420.

NM_203447.4(DOCK8):c.3531-9_3531-8insCA

Gene: DOCK8 (dedicator of cytokinesis 8; plus strand). Cytogenetic location: 9p24.3.
Variant type: Insertion.
Coding change: c.3531-9_3531-8insCA on transcript NM_203447.4 (MANE Select); 9 bases into the intron before coding-DNA position 3531 through 8 bases into the intron before coding-DNA position 3531, CA inserted.
Molecular consequence: intron variant.
Genome position: GRCh38 VCF-style: chr9-414773-T-TCA. GRCh37 (hg19) VCF-style: chr9-414773-T-TCA.
Other names: p.?; c.3327-9_3327-8insCA (NM_001193536.2); c.3231-9_3231-8insCA (NM_001190458.2).
Identifiers: ClinVar variation 4541414 (VCV004541414.1).